The following is an entry in ClinVar:

ClinVar aggregate classification (germline): Likely benign (1 of 4 stars; one submission).

Conditions:
ALG5-related disorder. Also called: ALG5-related condition.

gnomAD v4.1: 3 of 1,599,186 alleles (0.00019%); highest among the groups gnomAD compares: Non-Finnish European, 0.00017%; no homozygotes.

Submission:

PreventionGenetics, part of Exact Sciences
Classification: Likely benign for ALG5-related condition. Last evaluated: 2025-11-25. Review status: criteria provided, single submitter. Criteria: ACMG Guidelines, 2015. Collection method: clinical testing. Allele origin: germline.
Comment: This variant is classified as likely benign based on ACMG/AMP sequence variant interpretation guidelines (Richards et al. 2015 PMID: 25741868, with internal and published modifications).

NM_013338.5(ALG5):c.447+9T>C

Gene: ALG5 (ALG5 dolichyl-phosphate beta-glucosyltransferase; minus strand). Cytogenetic location: 13q13.3.
Variant type: single nucleotide variant.
Coding change: c.447+9T>C on transcript NM_013338.5 (MANE Select); 9 bases into the intron after coding-DNA position 447, T replaced by C.
Molecular consequence: intron variant.
Genome position (GRCh38, 1-based): chr13:36,989,475, A>G on the plus strand (T>C on the coding strand, the complement: ALG5 is on the minus strand). VCF-style: chr13-36989475-A-G. GRCh37 (hg19) VCF-style: chr13-37563612-A-G.
Other names: c.357+9T>C (NM_001142364.1).
Identifiers: ClinVar variation 4992397 (VCV004992397.1).